The following is an entry in ClinVar:

NM_000760.4(CSF3R):c.1794C>T (p.Ile598=)

Gene: CSF3R (colony stimulating factor 3 receptor; minus strand). Cytogenetic location: 1p34.3.
Variant type: single nucleotide variant.
Coding change: c.1794C>T on transcript NM_000760.4 (MANE Select); coding-DNA position 1794, C replaced by T.
Protein change: p.Ile598=; no amino-acid change (isoleucine 598 retained).
Molecular consequence: synonymous variant.
Genome position (GRCh38, 1-based): chr1:36,467,892, G>A on the plus strand (C>T on the coding strand, the complement: CSF3R is on the minus strand). VCF-style: chr1-36467892-G-A. GRCh37 (hg19) VCF-style: chr1-36933493-G-A.
Other names: p.Ile598=; c.1794C>T, p.Ile598= (NM_156039.3, NM_172313.3, LRG_144t1).
Identifiers: ClinVar variation 434835 (VCV000434835.19), dbSNP rs3917998, ClinGen allele CA769071.

ClinVar aggregate classification (germline): Benign. Review status: criteria provided, multiple submitters, no conflicts (2 of 4 stars). 5 submissions from 5 submitters: Benign (5). Last evaluated 2026-02-01.

Conditions:
Autosomal recessive severe congenital neutropenia due to CSF3R deficiency. Also called: Neutropenia, severe congenital, 7, autosomal recessive. Identifiers: Orphanet 420702, MedGen C4310764, MONDO:0014865, OMIM 617014.

Allele frequency attached by ClinVar (database versions not stated): gnomAD exomes 0.00243; ExAC 0.00287; 1000 Genomes Project 0.00779; gnomAD 0.00810 and 0.00872; 1000 Genomes Project 30x 0.00828; ESP Exome Variant Server 0.00884; TOPMed 0.00937.
gnomAD v4.1: 2,730 of 1,614,246 alleles (0.17%); highest among the groups gnomAD compares: African/African-American, 2.8%; 31 homozygotes.

Submissions (5):

Labcorp Genetics (formerly Invitae), Labcorp
Classification: Benign for Autosomal recessive severe congenital neutropenia due to CSF3R deficiency. Last evaluated: 2026-02-01. Review status: criteria provided, single submitter. Criteria: Invitae Variant Classification Sherloc (09022015). Collection method: clinical testing. Allele origin: germline.

Women's Health and Genetics/Laboratory Corporation of America, LabCorp
Classification: Benign. Last evaluated: 2026-01-22. Review status: criteria provided, single submitter. Criteria: LabCorp Variant Classification Summary - May 2015. Collection method: clinical testing. Allele origin: germline.

Mayo Clinic Laboratories, Mayo Clinic
Classification: Benign. Last evaluated: 2024-09-06. Review status: criteria provided, single submitter. Criteria: ACMG Guidelines, 2015. Collection method: clinical testing. Allele origin: germline. Observed: 12 variant alleles.
Comment: BS1, BS2, BP4, BP7

Genetic Services Laboratory, University of Chicago
Classification: Benign. Last evaluated: 2017-03-07. Review status: criteria provided, single submitter. Criteria: ACMG Guidelines, 2015. Collection method: clinical testing. Allele origin: germline. Affected: no.

Breakthrough Genomics
Classification: Benign. Review status: criteria provided, single submitter. Criteria: ACMG Guidelines, 2015. Collection method: not provided. Allele origin: germline. Inheritance: Autosomal recessive inheritance. Affected: yes.

Literature cited by the submitters: PubMed 23896413 (cited by Women's Health and Genetics/Laboratory Corporation of America, LabCorp); PubMed 28302714 (cited by Women's Health and Genetics/Laboratory Corporation of America, LabCorp); PubMed 24627528 (cited by Women's Health and Genetics/Laboratory Corporation of America, LabCorp); PubMed 23656643 (cited by Women's Health and Genetics/Laboratory Corporation of America, LabCorp); PubMed 23604229 (cited by Women's Health and Genetics/Laboratory Corporation of America, LabCorp); PubMed 27069254 (cited by Women's Health and Genetics/Laboratory Corporation of America, LabCorp).